The following is an entry in ClinVar:

ClinVar aggregate classification (germline): Uncertain significance (1 of 4 stars; one submission).

Conditions:
T-cell immunodeficiency, congenital alopecia, and nail dystrophy. Also called: Congenital alopecia and nail dystrophy associated with severe functional T-cell immunodeficiency; Pignata Guarino syndrome. Identifiers: Orphanet 169095, MedGen C1866426, MONDO:0011132, OMIM 601705.

Submission:

Labcorp Genetics (formerly Invitae), Labcorp
Classification: Uncertain significance for T-cell immunodeficiency, congenital alopecia, and nail dystrophy. Last evaluated: 2024-07-30. Review status: criteria provided, single submitter. Criteria: Invitae Variant Classification Sherloc (09022015). Collection method: clinical testing. Allele origin: germline.
Comment: This sequence change replaces proline, which is neutral and non-polar, with serine, which is neutral and polar, at codon 39 of the FOXN1 protein (p.Pro39Ser). This variant is not present in population databases (gnomAD no frequency). This variant has not been reported in the literature in individuals affected with FOXN1-related conditions. Advanced modeling of protein sequence and biophysical properties (such as structural, functional, and spatial information, amino acid conservation, physicochemical variation, residue mobility, and thermodynamic stability) performed at Invitae indicates that this missense variant is not expected to disrupt FOXN1 protein function with a negative predictive value of 80%. In summary, the available evidence is currently insufficient to determine the role of this variant in disease. Therefore, it has been classified as a Variant of Uncertain Significance.

NM_001369369.1(FOXN1):c.115C>T (p.Pro39Ser)

Gene: FOXN1 (forkhead box N1; plus strand). Cytogenetic location: 17q11.2.
Variant type: single nucleotide variant.
Coding change: c.115C>T on transcript NM_001369369.1 (MANE Select); coding-DNA position 115, C replaced by T.
Protein change: p.Pro39Ser; replaces proline 39 with serine.
Molecular consequence: missense variant.
Genome position (GRCh38, 1-based): chr17:28,524,084, C>T. VCF-style: chr17-28524084-C-T. GRCh37 (hg19) VCF-style: chr17-26851102-C-T.
Other names: c.115C>T, p.Pro39Ser (NM_003593.3); short protein forms P39S.
Identifiers: ClinVar variation 3693349 (VCV003693349.2).